The following is an entry in ClinVar:

NM_001082486.1(ACD):c.170C>G (p.Ala57Gly)

Gene: ACD (ACD shelterin complex subunit and telomerase recruitment factor; minus strand). Cytogenetic location: 16q22.1.
Variant type: single nucleotide variant.
Coding change: c.170C>G on transcript NM_001082486.1; coding-DNA position 170, C replaced by G.
Protein change: p.Ala57Gly; replaces alanine 57 with glycine.
Genome position (GRCh38, 1-based): chr16:67,660,309, G>C on the plus strand (C>G on the coding strand, the complement: ACD is on the minus strand). VCF-style: chr16-67660309-G-C. GRCh37 (hg19) VCF-style: chr16-67694212-G-C.
Other names: short protein forms A57G.
Identifiers: ClinVar variation 1778524 (VCV001778524.2), dbSNP rs749600273, ClinGen allele CA8114885.

ClinVar aggregate classification (germline): Uncertain significance (1 of 4 stars; one submission).

Conditions:
Inborn genetic diseases. Identifiers: MedGen C0950123, MeSH D030342.

Submission:

Ambry Genetics
Classification: Uncertain significance for Inborn genetic diseases. Last evaluated: 2022-03-24. Review status: criteria provided, single submitter. Criteria: Ambry Variant Classification Scheme 2023. Collection method: clinical testing. Allele origin: germline.
Comment: The p.A57G variant (also known as c.170C>G), located in coding exon 1 of the ACD gene, results from a C to G substitution at nucleotide position 170. The alanine at codon 57 is replaced by glycine, an amino acid with similar properties. This amino acid position is conserved. In addition, this alteration is predicted to be tolerated by in silico analysis. Since supporting evidence is limited at this time, the clinical significance of this alteration remains unclear.